The following is an entry in ClinVar:

ClinVar aggregate classification (germline): Pathogenic. Review status: criteria provided, multiple submitters, no conflicts (2 of 4 stars). 2 submissions from 2 submitters: Pathogenic (2). Last evaluated 2023-01-18.

Conditions:
Hereditary cancer-predisposing syndrome. Also called: Hereditary neoplastic syndrome; Hereditary Cancer Syndrome; Tumor predisposition; Neoplastic Syndromes, Hereditary. Identifiers: Orphanet 140162, MedGen C0027672, MeSH D009386, MONDO:0015356.
Hereditary diffuse gastric adenocarcinoma (HDGC). Also called: DIFFUSE GASTRIC AND LOBULAR BREAST CANCER SYNDROME. Identifiers: Orphanet 26106, MedGen C1708349, MONDO:0007648, OMIM 137215.

Submissions (2):

Myriad Genetics, Inc.
Classification: Pathogenic for Hereditary diffuse gastric adenocarcinoma. Last evaluated: 2023-01-18. Review status: criteria provided, single submitter. Criteria: Myriad Autosomal Dominant, Autosomal Recessive and X-Linked Classification Criteria (2023). Collection method: clinical testing. Allele origin: unknown.
Comment: This variant is considered pathogenic. This variant creates a frameshift predicted to result in premature protein truncation.

Ambry Genetics
Classification: Pathogenic for Hereditary cancer-predisposing syndrome. Last evaluated: 2022-11-17. Review status: criteria provided, single submitter. Criteria: Ambry Variant Classification Scheme 2023. Collection method: clinical testing. Allele origin: germline.
Comment: The c.1840delA pathogenic mutation, located in coding exon 12 of the CDH1 gene, results from a deletion of one nucleotide at nucleotide position 1840, causing a translational frameshift with a predicted alternate stop codon (p.I614Sfs*17). This variant is considered to be rare based on population cohorts in the Genome Aggregation Database (gnomAD). This alteration is expected to result in loss of function by premature protein truncation or nonsense-mediated mRNA decay. As such, this alteration is interpreted as a disease-causing mutation.

NM_004360.5(CDH1):c.1840del (p.Ile614fs)

Gene: CDH1 (cadherin 1; plus strand). Cytogenetic location: 16q22.1.
Variant type: Deletion.
Coding change: c.1840del on transcript NM_004360.5 (MANE Select); coding-DNA position 1840, one base deleted (A; older notation c.1840delA).
Protein change: p.Ile614fs; shifts the reading frame from isoleucine 614.
Molecular consequence: frameshift variant. On other transcripts: 5 prime UTR variant (1).
Genome position (GRCh38, 1-based): chr16:68,822,129, A deleted. VCF-style (leftmost placement, unchanged base first): chr16-68822128-CA-C. GRCh37 (hg19) VCF-style: chr16-68856031-CA-C.
Other names: c.1657del, p.Ile553fs (NM_001317184.2); c.292del, p.Ile98fs (NM_001317185.2); c.-126del (NM_001317186.2); short protein forms I553fs, I614fs, I98fs.
Identifiers: ClinVar variation 2431298 (VCV002431298.3), dbSNP rs2543942560, ClinGen allele CA2580091853.